The following is an entry in ClinVar:

NM_000293.3(PHKB):c.2075A>G (p.Lys692Arg)

Gene: PHKB (phosphorylase kinase regulatory subunit beta; plus strand). Cytogenetic location: 16q12.1.
Variant type: single nucleotide variant.
Coding change: c.2075A>G on transcript NM_000293.3 (MANE Select); coding-DNA position 2075, A replaced by G.
Protein change: p.Lys692Arg; replaces lysine 692 with arginine.
Molecular consequence: missense variant.
Genome position (GRCh38, 1-based): chr16:47,660,698, A>G. VCF-style: chr16-47660698-A-G. GRCh37 (hg19) VCF-style: chr16-47694609-A-G.
Other names: p.Lys692Arg; c.2054A>G (NM_001031835.2); c.2054A>G, p.Lys685Arg (NM_001031835.3); c.2075A>G, p.Lys692Arg (NM_001363837.1); short protein forms K692R, K685R.
Identifiers: ClinVar variation 595727 (VCV000595727.18), dbSNP rs142381554, ClinGen allele CA8041068.

ClinVar aggregate classification (germline): Conflicting classifications of pathogenicity. Review status: criteria provided, conflicting classifications (1 of 4 stars). 4 submissions from 4 submitters: Uncertain significance (2); Likely benign (1). 1 of the submissions does not count toward it. Last evaluated 2026-02-04.

Conditions:
PHKB-related disorder. Also called: PHKB-related condition.
Glycogen storage disease IXb (GSD9B). Also called: GLYCOGENOSIS OF LIVER AND MUSCLE, AUTOSOMAL RECESSIVE; GSD IXb; PHOSPHORYLASE KINASE DEFICIENCY OF LIVER AND MUSCLE, AUTOSOMAL RECESSIVE. Identifiers: Orphanet 79240, MedGen C0543514, MONDO:0009868, OMIM 261750.

Allele frequency attached by ClinVar (database versions not stated): gnomAD exomes 0.00008 and 0.00021; ExAC 0.00031; gnomAD 0.00079 and 0.00084; TOPMed 0.00084; ESP Exome Variant Server 0.00108; 1000 Genomes Project 30x 0.00141; 1000 Genomes Project 0.00160.
gnomAD v4.1: 249 of 1,614,194 alleles (0.015%); highest among the groups gnomAD compares: African/African-American, 0.3%; no homozygotes.

Submissions (4):

Labcorp Genetics (formerly Invitae), Labcorp
Classification: Likely benign for Glycogen storage disease IXb. Last evaluated: 2026-02-04. Review status: criteria provided, single submitter. Criteria: Invitae Variant Classification Sherloc (09022015). Collection method: clinical testing. Allele origin: germline.

Mayo Clinic Laboratories, Mayo Clinic
Classification: Uncertain significance. Last evaluated: 2022-08-11. Review status: criteria provided, single submitter. Criteria: ACMG Guidelines, 2015. Collection method: clinical testing. Allele origin: germline. Observed: 1 variant allele.
Comment: BS1

Eurofins Ntd Llc (ga)
Classification: Uncertain significance. Last evaluated: 2018-01-23. Review status: criteria provided, single submitter. Criteria: EGL Classification Definitions 2015. Collection method: clinical testing. Allele origin: germline. Observed: 1 variant allele, 1 heterozygote.

PreventionGenetics, part of Exact Sciences
Classification: Likely benign for PHKB-related condition. Last evaluated: 2022-10-12. Review status: no assertion criteria provided. Collection method: clinical testing. Allele origin: germline. Not counted in ClinVar's aggregate classification.
Comment: This variant is classified as likely benign based on ACMG/AMP sequence variant interpretation guidelines (Richards et al. 2015 PMID: 25741868, with internal and published modifications).